The following is an entry in ClinVar:

ClinVar aggregate classification (germline): Uncertain significance. Review status: criteria provided, multiple submitters, no conflicts (2 of 4 stars). 3 submissions from 3 submitters: Uncertain significance (3). Last evaluated 2025-07-31.

Conditions:
Inborn genetic diseases. Identifiers: MedGen C0950123, MeSH D030342.
Fanconi anemia complementation group P. Also called: SLX4-Related Fanconi Anemia. Identifiers: Orphanet 84, MedGen C3469542, MONDO:0013499, OMIM 613951.
Fanconi anemia (FA). Also called: Fanconi's anemia. Identifiers: Orphanet 84, MedGen C0015625, MeSH D005199, MONDO:0019391.

Allele frequency attached by ClinVar (database versions not stated): gnomAD 0.00007; TOPMed 0.00007; ESP Exome Variant Server 0.00008; gnomAD exomes 0.00001 and 0.00002.
gnomAD v4.1: 33 of 1,612,880 alleles (0.002%); highest among the groups gnomAD compares: African/African-American, 0.015%; no homozygotes.

Submissions (3):

Ambry Genetics
Classification: Uncertain significance for Inborn genetic diseases. Last evaluated: 2025-07-31. Review status: criteria provided, single submitter. Criteria: Ambry Variant Classification Scheme 2023. Collection method: clinical testing. Allele origin: germline.

Labcorp Genetics (formerly Invitae), Labcorp
Classification: Uncertain significance for Fanconi anemia. Last evaluated: 2024-12-04. Review status: criteria provided, single submitter. Criteria: Invitae Variant Classification Sherloc (09022015). Collection method: clinical testing. Allele origin: germline.
Comment: This sequence change replaces alanine, which is neutral and non-polar, with threonine, which is neutral and polar, at codon 1259 of the SLX4 protein (p.Ala1259Thr). This variant is present in population databases (rs370663234, gnomAD 0.009%). This variant has not been reported in the literature in individuals affected with SLX4-related conditions. ClinVar contains an entry for this variant (Variation ID: 1327082). An algorithm developed to predict the effect of missense changes on protein structure and function (PolyPhen-2) suggests that this variant is likely to be disruptive. In summary, the available evidence is currently insufficient to determine the role of this variant in disease. Therefore, it has been classified as a Variant of Uncertain Significance.

Baylor Genetics
Classification: Uncertain significance for Fanconi anemia complementation group P. Last evaluated: 2021-11-24. Review status: criteria provided, single submitter. Criteria: ACMG Guidelines, 2015. Collection method: clinical testing. Allele origin: unknown. Affected: yes. Study: CSER-TexasKidsCanSeq.
Comment: This variant was determined to be of uncertain significance according to ACMG Guidelines, 2015 [PMID:25741868].

NM_032444.4(SLX4):c.3775G>A (p.Ala1259Thr)

Gene: SLX4 (SLX4 structure-specific endonuclease subunit; minus strand). Cytogenetic location: 16p13.3.
Variant type: single nucleotide variant.
Coding change: c.3775G>A on transcript NM_032444.4 (MANE Select); coding-DNA position 3775, G replaced by A.
Protein change: p.Ala1259Thr; replaces alanine 1259 with threonine.
Molecular consequence: missense variant.
Genome position (GRCh38, 1-based): chr16:3,589,863, C>T on the plus strand (G>A on the coding strand, the complement: SLX4 is on the minus strand). VCF-style: chr16-3589863-C-T. GRCh37 (hg19) VCF-style: chr16-3639864-C-T.
Other names: c.3775G>A (NM_032444.2); short protein forms A1259T.
Identifiers: ClinVar variation 1327082 (VCV001327082.4), dbSNP rs370663234, ClinGen allele CA7865837.